The following is an entry in ClinVar:

ClinVar aggregate classification (germline): Pathogenic (1 of 4 stars; one submission).

Conditions:
UDPglucose-4-epimerase deficiency. Also called: Epimerase Deficiency Galactosemia; GALACTOSEMIA III; GALE DEFICIENCY; UDP-GALACTOSE-4-EPIMERASE DEFICIENCY; Galactose epimerase deficiency; UDPglucose 4-Epimerase Deficiency Disease. Identifiers: Orphanet 352, Orphanet 79238, MedGen C0751161, MONDO:0009257, OMIM 230350.

Allele frequency attached by ClinVar (database versions not stated): gnomAD exomes below 0.00001.

Submission:

Labcorp Genetics (formerly Invitae), Labcorp
Classification: Pathogenic for UDPglucose-4-epimerase deficiency. Last evaluated: 2024-01-22. Review status: criteria provided, single submitter. Criteria: Invitae Variant Classification Sherloc (09022015). Collection method: clinical testing. Allele origin: germline.
Comment: This sequence change creates a premature translational stop signal (p.Lys259Glufs*45) in the GALE gene. It is expected to result in an absent or disrupted protein product. Loss-of-function variants in GALE are known to be pathogenic (PMID: 16301867). This variant is not present in population databases (gnomAD no frequency). This variant has not been reported in the literature in individuals affected with GALE-related conditions. For these reasons, this variant has been classified as Pathogenic.

Literature cited by the submitters: PubMed 16301867.

NM_001008216.2(GALE):c.773dup (p.Lys259fs)

Gene: GALE (UDP-galactose-4-epimerase; minus strand). Cytogenetic location: 1p36.11.
Variant type: Duplication.
Coding change: c.773dup on transcript NM_001008216.2 (MANE Select); coding-DNA position 773, one base duplicated (T; older notation c.773dupT).
Protein change: p.Lys259fs; shifts the reading frame from lysine 259.
Molecular consequence: frameshift variant.
Genome position (GRCh38, 1-based): chr1:23,796,719, A duplicated on the plus strand (T on the coding strand, the reverse complement: GALE is on the minus strand). VCF-style (leftmost placement, unchanged base first): chr1-23796718-C-CA. GRCh37 (hg19) VCF-style: chr1-24123208-C-CA.
Other names: c.773dup, p.Lys259fs (NM_000403.4, NM_001127621.2); short protein forms K259fs.
Identifiers: ClinVar variation 2873958 (VCV002873958.3), dbSNP rs2521285775, ClinGen allele CA2644076126.